The following is an entry in ClinVar:

NM_000760.4(CSF3R):c.2029A>G (p.Ile677Val)

Gene: CSF3R (colony stimulating factor 3 receptor; minus strand). Cytogenetic location: 1p34.3.
Variant type: single nucleotide variant.
Coding change: c.2029A>G on transcript NM_000760.4 (MANE Select); coding-DNA position 2029, A replaced by G.
Protein change: p.Ile677Val; replaces isoleucine 677 with valine.
Molecular consequence: missense variant.
Genome position (GRCh38, 1-based): chr1:36,467,241, T>C on the plus strand (A>G on the coding strand, the complement: CSF3R is on the minus strand). VCF-style: chr1-36467241-T-C. GRCh37 (hg19) VCF-style: chr1-36932842-T-C.
Other names: c.2029A>G, p.Ile677Val (NM_156039.3, NM_172313.3); short protein forms I677V.
Identifiers: ClinVar variation 1917077 (VCV001917077.5), dbSNP rs763951831, ClinGen allele CA769004.
Genomic context (GRCh38, chr1:36,467,241, plus strand): 5'-CCTGGGCCGACATCCCCATCTCATTTCCCTCTCCCTCCTGGATTCTCACCTCCTCCATGA[T>C]TGTGGGCACCCAGGAGCCCAGGCTGCTGTGAGCTGGGTCTGGGACACTTGGCCAGAGGGG-3'
Protein context (NP_000751.1, residues 667-687): HSSLGSWVPT[Ile677Val]MEEDAFQLPG

ClinVar aggregate classification (germline): Uncertain significance (1 of 4 stars; one submission).

Conditions:
Autosomal recessive severe congenital neutropenia due to CSF3R deficiency. Also called: Neutropenia, severe congenital, 7, autosomal recessive. Identifiers: Orphanet 420702, MedGen C4310764, MONDO:0014865, OMIM 617014.

Allele frequency attached by ClinVar (database versions not stated): TOPMed below 0.00001; gnomAD 0.00001; gnomAD exomes 0.00001; ExAC 0.00003.
gnomAD v4.1: 19 of 1,614,024 alleles (0.0012%); highest among the groups gnomAD compares: South Asian, 0.018%; no homozygotes.

Submission:

Labcorp Genetics (formerly Invitae), Labcorp
Classification: Uncertain significance for Autosomal recessive severe congenital neutropenia due to CSF3R deficiency. Last evaluated: 2025-05-01. Review status: criteria provided, single submitter. Criteria: Invitae Variant Classification Sherloc (09022015). Collection method: clinical testing. Allele origin: germline.
Comment: This sequence change replaces isoleucine, which is neutral and non-polar, with valine, which is neutral and non-polar, at codon 677 of the CSF3R protein (p.Ile677Val). This variant is present in population databases (rs763951831, gnomAD 0.02%). This variant has not been reported in the literature in individuals affected with CSF3R-related conditions. ClinVar contains an entry for this variant (Variation ID: 1917077). Invitae Evidence Modeling of protein sequence and biophysical properties (such as structural, functional, and spatial information, amino acid conservation, physicochemical variation, residue mobility, and thermodynamic stability) indicates that this missense variant is not expected to disrupt CSF3R protein function with a negative predictive value of 80%. In summary, the available evidence is currently insufficient to determine the role of this variant in disease. Therefore, it has been classified as a Variant of Uncertain Significance.